The following is an entry in ClinVar:

ClinVar aggregate classification (germline): Uncertain significance (1 of 4 stars; one submission).

Allele frequency attached by ClinVar (database versions not stated): gnomAD exomes below 0.00001.
gnomAD v4.1: 2 of 1,469,180 alleles (0.00014%); highest among the groups gnomAD compares: Non-Finnish European, 0.00018%; no homozygotes.

Submission:

Labcorp Genetics (formerly Invitae), Labcorp
Classification: Uncertain significance. Last evaluated: 2023-12-27. Review status: criteria provided, single submitter. Criteria: Invitae Variant Classification Sherloc (09022015). Collection method: clinical testing. Allele origin: germline.
Comment: This sequence change affects a donor splice site in intron 8 of the MCM5 gene. It is expected to disrupt RNA splicing. Variants that disrupt the donor or acceptor splice site typically lead to a loss of protein function (PMID: 16199547), however the current clinical and genetic evidence is not sufficient to establish whether loss-of-function variants in MCM5 cause disease. This variant is not present in population databases (gnomAD no frequency). This variant has not been reported in the literature in individuals affected with MCM5-related conditions. Algorithms developed to predict the effect of sequence changes on RNA splicing suggest that this variant may disrupt the consensus splice site. In summary, the available evidence is currently insufficient to determine the role of this variant in disease. Therefore, it has been classified as a Variant of Uncertain Significance.

Literature cited by the submitters: PubMed 16199547.

NM_006739.4(MCM5):c.1091+2T>C

Gene: MCM5 (minichromosome maintenance complex component 5; plus strand). Cytogenetic location: 22q12.3.
Variant type: single nucleotide variant.
Coding change: c.1091+2T>C on transcript NM_006739.4 (MANE Select); the canonical splice donor site of the intron after coding-DNA position 1091, T replaced by C.
Molecular consequence: splice donor variant.
Genome position (GRCh38, 1-based): chr22:35,412,683, T>C. VCF-style: chr22-35412683-T-C. GRCh37 (hg19) VCF-style: chr22-35808676-T-C.
Identifiers: ClinVar variation 2996446 (VCV002996446.3), dbSNP rs2517894941, ClinGen allele CA411344801.